The following is an entry in ClinVar:

NM_005263.5(GFI1):c.362C>T (p.Pro121Leu)

Gene: GFI1 (growth factor independent 1 transcriptional repressor; minus strand). Cytogenetic location: 1p22.1.
Variant type: single nucleotide variant.
Coding change: c.362C>T on transcript NM_005263.5 (MANE Select); coding-DNA position 362, C replaced by T.
Protein change: p.Pro121Leu; replaces proline 121 with leucine.
Molecular consequence: missense variant.
Genome position (GRCh38, 1-based): chr1:92,481,025, G>A on the plus strand (C>T on the coding strand, the complement: GFI1 is on the minus strand). VCF-style: chr1-92481025-G-A. GRCh37 (hg19) VCF-style: chr1-92946582-G-A.
Other names: c.362C>T, p.Pro121Leu (NM_001127215.3, NM_001127216.3); short protein forms P121L.
Identifiers: ClinVar variation 4827139 (VCV004827139.1).

ClinVar aggregate classification (germline): Uncertain significance (1 of 4 stars; one submission).

Submission:

Ambry Genetics
Classification: Uncertain significance. Last evaluated: 2026-03-13. Review status: criteria provided, single submitter. Criteria: Ambry Variant Classification Scheme 2023. Collection method: clinical testing. Allele origin: germline.
Comment: The p.P121L variant (also known as c.362C>T), located in coding exon 3 of the GFI1 gene, results from a C to T substitution at nucleotide position 362. The proline at codon 121 is replaced by leucine, an amino acid with similar properties. This amino acid position is conserved. In addition, this alteration is predicted to be tolerated by in silico analysis. Based on the available evidence, the clinical significance of this variant remains unclear.